The following is an entry in ClinVar:

NM_013247.5(HTRA2):c.742T>C (p.Ser248Pro)

Genes: HTRA2 (HtrA serine peptidase 2; plus strand), LOC129934143 (ATAC-STARR-seq lymphoblastoid active region 16075; plus strand). Cytogenetic location: 2p13.1.
Variant type: single nucleotide variant.
Coding change: c.742T>C on transcript NM_013247.5 (MANE Select); coding-DNA position 742, T replaced by C.
Protein change: p.Ser248Pro; replaces serine 248 with proline.
Molecular consequence: missense variant. On other transcripts: non-coding transcript variant (4), intron variant (1).
Genome position (GRCh38, 1-based): chr2:74,530,941, T>C. VCF-style: chr2-74530941-T-C. GRCh37 (hg19) VCF-style: chr2-74758068-T-C.
Other names: c.742T>C, p.Ser248Pro (NM_001321727.1, NM_001321728.1); c.711+120T>C (NM_145074.2); short protein forms S248P.
Identifiers: ClinVar variation 5008840 (VCV005008840.1).

ClinVar aggregate classification (germline): Uncertain significance (1 of 4 stars; one submission).

Submission:

GeneDx
Classification: Uncertain significance. Last evaluated: 2026-03-15. Review status: criteria provided, single submitter. Criteria: GeneDx Variant Classification Process June 2021. Collection method: clinical testing. Allele origin: germline.
Comment: Not observed at significant frequency in large population cohorts (gnomAD); In silico analysis supports that this missense variant has a deleterious effect on protein structure/function; Has not been previously published as pathogenic or benign to our knowledge